The following is an entry in ClinVar:

ClinVar aggregate classification (germline): Uncertain significance (1 of 4 stars; one submission).

gnomAD v4.1: 2 of 1,549,990 alleles (0.00013%); highest among the groups gnomAD compares: East Asian, 0.0049%; no homozygotes.

Submission:

GeneDx
Classification: Uncertain significance. Last evaluated: 2022-06-07. Review status: criteria provided, single submitter. Criteria: GeneDx Variant Classification Process June 2021. Collection method: clinical testing. Allele origin: germline. Affected: yes.
Comment: Not observed at significant frequency in large population cohorts (gnomAD); In silico analysis supports that this missense variant has a deleterious effect on protein structure/function; Has not been previously published as pathogenic or benign to our knowledge

NM_001292063.2(OTOG):c.6152A>T (p.His2051Leu)

Gene: OTOG (otogelin; plus strand). Cytogenetic location: 11p15.1.
Variant type: single nucleotide variant.
Coding change: c.6152A>T on transcript NM_001292063.2 (MANE Select); coding-DNA position 6152, A replaced by T.
Protein change: p.His2051Leu; replaces histidine 2051 with leucine.
Molecular consequence: missense variant.
Genome position (GRCh38, 1-based): chr11:17,612,190, A>T. VCF-style: chr11-17612190-A-T. GRCh37 (hg19) VCF-style: chr11-17633737-A-T.
Other names: c.6188A>T, p.His2063Leu (NM_001277269.2); short protein forms H2051L, H2063L.
Identifiers: ClinVar variation 1803313 (VCV001803313.1), dbSNP rs1565118040, ClinGen allele CA379803423.